The following is an entry in ClinVar:

ClinVar aggregate classification (germline): Conflicting classifications of pathogenicity. Review status: criteria provided, conflicting classifications (1 of 4 stars). 2 submissions from 2 submitters: Uncertain significance (1); Likely benign (1). Last evaluated 2024-11-04.

Conditions:
Autism, susceptibility to, X-linked 5 (AUTSX5). Identifiers: MedGen C3275438, MONDO:0010449, OMIM 300847.
Intellectual developmental disorder, X-linked, syndromic 35. Also called: Intellectual disability, X-linked, syndromic, 35. Identifiers: MedGen C4478383, MONDO:0030908, OMIM 300998.

gnomAD v4.1: 24 of 1,198,335 alleles (0.002%); highest among the groups gnomAD compares: East Asian, 0.003%; no homozygotes.

Submissions (2):

Blueprint Genetics
Classification: Likely benign. Last evaluated: 2024-11-04. Review status: criteria provided, single submitter. Criteria: ACMG Guidelines, 2015. Collection method: clinical testing. Allele origin: germline.

Juno Genomics, Hangzhou Juno Genomics, Inc
Classification: Uncertain significance for Autism, susceptibility to, X-linked 5; Intellectual developmental disorder, X-linked, syndromic 35. Review status: criteria provided, single submitter. Criteria: ACMG Guidelines, 2015. Collection method: clinical testing. Allele origin: germline.
Comment: Absent from controls (or at extremely low frequency if recessive) in Genome Aggregation Database.;Multiple lines of computational evidence support a deleterious effect on the gene or gene product.

NM_006013.5(RPL10):c.330-8C>T

Gene: RPL10 (ribosomal protein L10; plus strand). Cytogenetic location: Xq28.
Variant type: single nucleotide variant.
Coding change: c.330-8C>T on transcript NM_006013.5 (MANE Select); 8 bases into the intron before coding-DNA position 330, C replaced by T.
Molecular consequence: intron variant.
Genome position (GRCh38, 1-based): chrX:154,400,456, C>T. VCF-style: chrX-154400456-C-T. GRCh37 (hg19) VCF-style: chrX-153628797-C-T.
Other names: c.330-8C>T (NM_001303625.1, NM_001303624.2); c.330-246C>T (NM_001256577.2); c.222-8C>T (NM_001256580.2); c.330-19C>T (NM_001303626.1).
Identifiers: ClinVar variation 4953674 (VCV004953674.3).